The following is an entry in ClinVar:

NM_006231.4(POLE):c.1402T>C (p.Tyr468His)

Gene: POLE (DNA polymerase epsilon, catalytic subunit; minus strand). Cytogenetic location: 12q24.33.
Variant type: single nucleotide variant.
Coding change: c.1402T>C on transcript NM_006231.4 (MANE Select); coding-DNA position 1402, T replaced by C.
Protein change: p.Tyr468His; replaces tyrosine 468 with histidine.
Molecular consequence: missense variant.
Genome position (GRCh38, 1-based): chr12:132,673,235, A>G on the plus strand (T>C on the coding strand, the complement: POLE is on the minus strand). VCF-style: chr12-132673235-A-G. GRCh37 (hg19) VCF-style: chr12-133249821-A-G.
Other names: c.1402T>C (NM_006231.2); short protein forms Y468H.
Identifiers: ClinVar variation 958499 (VCV000958499.10), dbSNP rs2042971614, ClinGen allele CA387358591.

ClinVar aggregate classification (germline): Uncertain significance. Review status: criteria provided, multiple submitters, no conflicts (2 of 4 stars). 2 submissions from 2 submitters: Uncertain significance (2). Last evaluated 2025-05-12.

Conditions:
Hereditary cancer-predisposing syndrome. Also called: Tumor predisposition; Hereditary neoplastic syndrome; Neoplastic Syndromes, Hereditary; Hereditary Cancer Syndrome. Identifiers: Orphanet 140162, MedGen C0027672, MeSH D009386, MONDO:0015356.

Submissions (2):

Labcorp Genetics (formerly Invitae), Labcorp
Classification: Uncertain significance. Last evaluated: 2025-05-12. Review status: criteria provided, single submitter. Criteria: Invitae Variant Classification Sherloc (09022015). Collection method: clinical testing. Allele origin: germline.
Comment: This sequence change replaces tyrosine, which is neutral and polar, with histidine, which is basic and polar, at codon 468 of the POLE protein (p.Tyr468His). This variant is not present in population databases (gnomAD no frequency). This variant has not been reported in the literature in individuals affected with POLE-related conditions. ClinVar contains an entry for this variant (Variation ID: 958499). Invitae Evidence Modeling of protein sequence and biophysical properties (such as structural, functional, and spatial information, amino acid conservation, physicochemical variation, residue mobility, and thermodynamic stability) indicates that this missense variant is not expected to disrupt POLE protein function with a negative predictive value of 80%. In summary, the available evidence is currently insufficient to determine the role of this variant in disease. Therefore, it has been classified as a Variant of Uncertain Significance.

Ambry Genetics
Classification: Uncertain significance for Hereditary cancer-predisposing syndrome. Last evaluated: 2024-08-07. Review status: criteria provided, single submitter. Criteria: Ambry Variant Classification Scheme 2023. Collection method: clinical testing. Allele origin: germline.
Comment: The p.Y468H variant (also known as c.1402T>C), located in coding exon 14 of the POLE gene, results from a T to C substitution at nucleotide position 1402. The tyrosine at codon 468 is replaced by histidine, an amino acid with similar properties. This amino acid position is conserved. In addition, the in silico prediction for this alteration is inconclusive. Based on the available evidence, the clinical significance of this variant remains unclear.